The following is an entry in ClinVar:

ClinVar aggregate classification (germline): Conflicting classifications of pathogenicity. Review status: criteria provided, conflicting classifications (1 of 4 stars). 2 submissions from 2 submitters: Pathogenic (1); Uncertain significance (1). Last evaluated 2025-02-17.

Conditions:
Hypertrophic cardiomyopathy. Also called: HYPERTROPHIC MYOCARDIOPATHY. Identifiers: Orphanet 217569, MedGen C0007194, MeSH D002312, MONDO:0005045, HP:0001639.

Submissions (2):

Labcorp Genetics (formerly Invitae), Labcorp
Classification: Pathogenic for Hypertrophic cardiomyopathy. Last evaluated: 2025-02-17. Review status: criteria provided, single submitter. Criteria: Invitae Variant Classification Sherloc (09022015). Collection method: clinical testing. Allele origin: germline.
Comment: This sequence change replaces alanine, which is neutral and non-polar, with glutamic acid, which is acidic and polar, at codon 259 of the MYH7 protein (p.Ala259Glu). This variant is not present in population databases (gnomAD no frequency). This missense change has been observed in individuals with hypertrophic cardiomyopathy (internal data). ClinVar contains an entry for this variant (Variation ID: 181325). Invitae Evidence Modeling of protein sequence and biophysical properties (such as structural, functional, and spatial information, amino acid conservation, physicochemical variation, residue mobility, and thermodynamic stability) indicates that this missense variant is expected to disrupt MYH7 protein function with a positive predictive value of 95%. For these reasons, this variant has been classified as Pathogenic.

GeneDx
Classification: Uncertain significance. Last evaluated: 2017-02-01. Review status: criteria provided, single submitter. Criteria: GeneDx Variant Classification (06012015). Collection method: clinical testing. Allele origin: germline. Affected: yes.
Comment: The A259E variant of uncertain significance has been identified in the MYH7 gene. The A259Evariant has been previously reported in one individual with HCM, however no clinical information wasprovided on this patient (Waldmuller et al., 2008). The A259E variant was not observed inapproximately 6,500 individuals of European and African American ancestry in the NHLBI ExomeSequencing Project, indicating it is not a common benign variant in these populations. A259E is anon-conservative amino acid substitution, which is likely to impact secondary protein structure asthese residues differ in polarity, charge, size and/or other properties. This substitution occurs at aposition that is conserved across species and in silico analysis predicts this variant is probablydamaging to the protein structure/function. Although missense variants in nearby residues (F252S,G256E, I263M, I263T) have been reported in the Human Gene Mutation Database in association withHCM (Stenson et al., 2014), the full significance of these variants is unknown. Additionally, despitethe fact that this variant has been published in association with HCM, family history information andsegregation data was not provided. Furthermore, no functional studies for the A259E variant havebeen performed.

NM_000257.4(MYH7):c.776C>A (p.Ala259Glu)

Gene: MYH7 (myosin heavy chain 7; minus strand). Cytogenetic location: 14q11.2.
Variant type: single nucleotide variant.
Coding change: c.776C>A on transcript NM_000257.4 (MANE Select); coding-DNA position 776, C replaced by A.
Protein change: p.Ala259Glu; replaces alanine 259 with glutamic acid.
Molecular consequence: missense variant.
Genome position (GRCh38, 1-based): chr14:23,431,438, G>T on the plus strand (C>A on the coding strand, the complement: MYH7 is on the minus strand). VCF-style: chr14-23431438-G-T. GRCh37 (hg19) VCF-style: chr14-23900647-G-T.
Other names: c.776C>A (LRG_384t1); short protein forms A259E.
Identifiers: ClinVar variation 181325 (VCV000181325.6), dbSNP rs730880854, ClinGen allele CA016814.